The following is an entry in ClinVar:

ClinVar aggregate classification (germline): Likely benign (1 of 4 stars; one submission).

Allele frequency attached by ClinVar (database versions not stated): ESP Exome Variant Server 0.00369; ExAC 0.00407; gnomAD 0.00440; TOPMed 0.00474; 1000 Genomes Project 0.00619; 1000 Genomes Project 30x 0.00718.
gnomAD v4.1: 5,830 of 1,563,754 alleles (0.37%); highest among the groups gnomAD compares: South Asian, 0.89%; 33 homozygotes.

Submission:

CeGaT Center for Human Genetics Tuebingen
Classification: Likely benign. Last evaluated: 2023-02-01. Review status: criteria provided, single submitter. Criteria: CeGaT Center For Human Genetics Tuebingen Variant Classification Criteria Version 2. Collection method: clinical testing. Allele origin: germline. Affected: yes. Observed: 2 variant alleles.
Comment: SMC2: BP4, BS2

NM_006444.3(SMC2):c.2600C>T (p.Ser867Leu)

Gene: SMC2 (structural maintenance of chromosomes 2; plus strand). Cytogenetic location: 9q31.1.
Variant type: single nucleotide variant.
Coding change: c.2600C>T on transcript NM_006444.3 (MANE Select); coding-DNA position 2600, C replaced by T.
Protein change: p.Ser867Leu; replaces serine 867 with leucine.
Molecular consequence: missense variant.
Genome position (GRCh38, 1-based): chr9:104,127,290, C>T. VCF-style: chr9-104127290-C-T. GRCh37 (hg19) VCF-style: chr9-106889571-C-T.
Other names: c.2600C>T, p.Ser867Leu (NM_001265602.2, NM_001042550.2, NM_001042551.2); short protein forms S867L.
Identifiers: ClinVar variation 2659354 (VCV002659354.24), dbSNP rs11554260, ClinGen allele CA5164807.
Genomic context (GRCh38, chr9:104,127,290, plus strand): 5'-TTAAAATTATTTACATGTTACCTCACCACATATTTTCTTTAATTTTTTTGTTTTAGGAGT[C>T]AGTAAATAAAGCTCAAGAAGAGGTGACCAAGCAAAAAGAGGTGATAACAGCCCAAGACAC-3'
Protein context (NP_006435.2, residues 857-877): MAAEVAKNKE[Ser867Leu]VNKAQEEVTK